The following is an entry in ClinVar:

ClinVar aggregate classification (germline): Conflicting classifications of pathogenicity. Review status: criteria provided, conflicting classifications (1 of 4 stars). 2 submissions from 1 submitter: Likely pathogenic (1); Uncertain significance (1). Last evaluated 2026-08-03.

Conditions:
Basal cell carcinoma, susceptibility to, 1. Also called: BCC1. Identifiers: MedGen C2751544, MONDO:0011556, OMIM 605462.
Familial cancer of breast. Also called: BREAST CANCER, FAMILIAL; hereditary breast carcinoma; Hereditary breast cancer. Identifiers: Orphanet 227535, MedGen C0346153, MONDO:0016419, OMIM 114480. Disease mechanism: loss of function.

Submissions (2):

KCCC/NGS Laboratory, Kuwait Cancer Control Center
Classification: Uncertain significance for Basal cell carcinoma, susceptibility to, 1. Last evaluated: 2026-08-03. Review status: criteria provided, single submitter. Criteria: ACMG Guidelines, 2015. Collection method: clinical testing. Allele origin: germline. Inheritance: Autosomal dominant inheritance. Affected: no.

KCCC/NGS Laboratory, Kuwait Cancer Control Center
Classification: Likely pathogenic for Familial cancer of breast. Last evaluated: 2023-07-07. Review status: criteria provided, single submitter. Criteria: ACMG Guidelines, 2015. Collection method: clinical testing. Allele origin: unknown. Affected: yes.
Comment: This variant is also known as c.2315dupC. This insertion causes a frame shift and a stop signal 25 codons downstream. It is expected to result in a truncated protein (P773Tfs*25). This mutation is not listed in ClinVar. However, a variant describing an insertion of a “G” at the same position is listed in gnomAD and dbSNP databases. This mutation is considered as likely pathogenic. Truncating variants (loss-of-function) in the PTCH2 gene are a known mechanism of disease. Pathogenic mutations in the PTCH2 are thought to be associated with a milder form of Nevoid Basal Cell Carcinoma Syndrome (Gorlin syndrome) [Fan et al. (2008); Fujii et al. (2013)]. Therefore, this variant has been classified as likely pathogenic.

NM_003738.5(PTCH2):c.2315dup (p.Pro773fs)

Gene: PTCH2 (patched 2; minus strand). Cytogenetic location: 1p34.1.
Variant type: Duplication.
Coding change: c.2315dup on transcript NM_003738.5 (MANE Select); coding-DNA position 2315, one base duplicated (C; older notation c.2315dupC).
Protein change: p.Pro773fs; shifts the reading frame from proline 773.
Molecular consequence: frameshift variant.
Genome position (GRCh38, 1-based): chr1:44,827,458, G duplicated on the plus strand (C on the coding strand, the reverse complement: PTCH2 is on the minus strand); the first of 5 consecutive G bases (chr1:44,827,458-44,827,462); duplicating any one gives the same sequence. VCF-style (leftmost placement, unchanged base first): chr1-44827457-T-TG. GRCh37 (hg19) VCF-style: chr1-45293129-T-TG.
Other names: c.2315dup, p.Pro773fs (NM_001166292.2); short protein forms P773fs.
Identifiers: ClinVar variation 2573189 (VCV002573189.2), dbSNP rs771498368, ClinGen allele CA823056.